The following is an entry in ClinVar:

NM_001015880.2(PAPSS2):c.1601C>T (p.Pro534Leu)

Gene: PAPSS2 (3'-phosphoadenosine 5'-phosphosulfate synthase 2; plus strand). Cytogenetic location: 10q23.31.
Variant type: single nucleotide variant.
Coding change: c.1601C>T on transcript NM_001015880.2 (MANE Select); coding-DNA position 1601, C replaced by T.
Protein change: p.Pro534Leu; replaces proline 534 with leucine.
Molecular consequence: missense variant.
Genome position (GRCh38, 1-based): chr10:87,745,111, C>T. VCF-style: chr10-87745111-C-T. GRCh37 (hg19) VCF-style: chr10-89504868-C-T.
Other names: c.1586C>T, p.Pro529Leu (NM_004670.4); short protein forms P529L, P534L.
Identifiers: ClinVar variation 1974596 (VCV001974596.5), dbSNP rs761090348, ClinGen allele CA5589795.

ClinVar aggregate classification (germline): Uncertain significance (1 of 4 stars; one submission).

Conditions:
Spondyloepimetaphyseal dysplasia, PAPSS2 type. Also called: BRACHYOLMIA TYPE 4 WITH MILD EPIPHYSEAL AND METAPHYSEAL CHANGES; SPONDYLODYSPLASIA AND PREMATURE PUBARCHE; SEMD, PAKISTANI TYPE. Identifiers: Orphanet 93282, MedGen C2748516, MONDO:0019666, OMIM 612847.

Allele frequency attached by ClinVar (database versions not stated): gnomAD 0.00001; gnomAD exomes 0.00001; ExAC 0.00002.
gnomAD v4.1: 4 of 1,614,032 alleles (0.00025%); highest among the groups gnomAD compares: East Asian, 0.0089%; no homozygotes.

Submission:

Labcorp Genetics (formerly Invitae), Labcorp
Classification: Uncertain significance for Spondyloepimetaphyseal dysplasia, PAPSS2 type. Last evaluated: 2025-02-24. Review status: criteria provided, single submitter. Criteria: Invitae Variant Classification Sherloc (09022015). Collection method: clinical testing. Allele origin: germline.
Comment: This sequence change replaces proline, which is neutral and non-polar, with leucine, which is neutral and non-polar, at codon 534 of the PAPSS2 protein (p.Pro534Leu). This variant is present in population databases (rs761090348, gnomAD 0.02%). This variant has not been reported in the literature in individuals affected with PAPSS2-related conditions. ClinVar contains an entry for this variant (Variation ID: 1974596). An algorithm developed to predict the effect of missense changes on protein structure and function (PolyPhen-2) suggests that this variant is likely to be tolerated. In summary, the available evidence is currently insufficient to determine the role of this variant in disease. Therefore, it has been classified as a Variant of Uncertain Significance.